The following is an entry in ClinVar:

ClinVar aggregate classification (germline): Uncertain significance. Review status: criteria provided, multiple submitters, no conflicts (2 of 4 stars). 4 submissions from 4 submitters: Uncertain significance (4). Last evaluated 2024-08-22.

Conditions:
Inborn genetic diseases. Identifiers: MedGen C0950123, MeSH D030342.

Allele frequency attached by ClinVar (database versions not stated): gnomAD exomes 0.00010; gnomAD 0.00029 and 0.00031; TOPMed 0.00040; ExAC 0.00011; 1000 Genomes Project 0.00040; ESP Exome Variant Server 0.00038; 1000 Genomes Project 30x 0.00031.
gnomAD v4.1: 382 of 1,613,694 alleles (0.024%); highest among the groups gnomAD compares: African/African-American, 0.048%; no homozygotes.

Submissions (4):

GeneDx
Classification: Uncertain significance. Last evaluated: 2024-08-22. Review status: criteria provided, single submitter. Criteria: GeneDx Variant Classification Process June 2021. Collection method: clinical testing. Allele origin: germline. Affected: yes.
Comment: In silico analysis indicates that this missense variant does not alter protein structure/function; Has not been previously published as pathogenic or benign to our knowledge

Blueprint Genetics
Classification: Uncertain significance. Last evaluated: 2024-07-16. Review status: criteria provided, single submitter. Criteria: ACMG Guidelines, 2015. Collection method: clinical testing. Allele origin: germline.

Labcorp Genetics (formerly Invitae), Labcorp
Classification: Uncertain significance. Last evaluated: 2024-06-17. Review status: criteria provided, single submitter. Criteria: Invitae Variant Classification Sherloc (09022015). Collection method: clinical testing. Allele origin: germline.
Comment: This sequence change replaces arginine, which is basic and polar, with glutamine, which is neutral and polar, at codon 210 of the SLC25A1 protein (p.Arg210Gln). This variant is present in population databases (rs148734543, gnomAD 0.06%). This variant has not been reported in the literature in individuals affected with SLC25A1-related conditions. ClinVar contains an entry for this variant (Variation ID: 934944). Algorithms developed to predict the effect of missense changes on protein structure and function output the following: SIFT: "Not Available"; PolyPhen-2: "Benign"; Align-GVGD: "Not Available". The glutamine amino acid residue is found in multiple mammalian species, which suggests that this missense change does not adversely affect protein function. In summary, the available evidence is currently insufficient to determine the role of this variant in disease. Therefore, it has been classified as a Variant of Uncertain Significance.

Ambry Genetics
Classification: Uncertain significance for Inborn genetic diseases. Last evaluated: 2024-03-15. Review status: criteria provided, single submitter. Criteria: Ambry Variant Classification Scheme 2023. Collection method: clinical testing. Allele origin: germline.

NM_005984.5(SLC25A1):c.629G>A (p.Arg210Gln)

Gene: SLC25A1 (solute carrier family 25 member 1; minus strand). Cytogenetic location: 22q11.21.
Variant type: single nucleotide variant.
Coding change: c.629G>A on transcript NM_005984.5 (MANE Select); coding-DNA position 629, G replaced by A.
Protein change: p.Arg210Gln; replaces arginine 210 with glutamine.
Molecular consequence: missense variant. On other transcripts: non-coding transcript variant (1).
Genome position (GRCh38, 1-based): chr22:19,176,848, C>T on the plus strand (G>A on the coding strand, the complement: SLC25A1 is on the minus strand). VCF-style: chr22-19176848-C-T. GRCh37 (hg19) VCF-style: chr22-19164361-C-T.
Other names: c.629G>A (NM_005984.2, NM_005984.3); c.650G>A, p.Arg217Gln (NM_001256534.2); c.320G>A, p.Arg107Gln (NM_001287387.2); short protein forms R217Q, R107Q, R210Q.
Identifiers: ClinVar variation 934944 (VCV000934944.8), dbSNP rs148734543, ClinGen allele CA10097371.
Genomic context (GRCh38, chr22:19,176,848, plus strand): 5'-CAAGGAGAGGAGAGGAGCTGGCCATGTGCAGAGATGGGGCCCTGTGATGCAGACACACCT[C>T]GGTACCAGTTGCGCAGGGAGGTCATGACGAAGAAGCGGATGGCCTGGTTCGAGCCCTGCT-3'
Protein context (NP_005975.1, residues 200-220): FVMTSLRNWY[Arg210Gln]GDNPNKPMNP